The following is an entry in ClinVar:

NM_001923.5(DDB1):c.1119G>A (p.Gly373=)

Gene: DDB1 (damage specific DNA binding protein 1; minus strand). Cytogenetic location: 11q12.2.
Variant type: single nucleotide variant.
Coding change: c.1119G>A on transcript NM_001923.5 (MANE Select); coding-DNA position 1119, G replaced by A.
Protein change: p.Gly373=; no amino-acid change (glycine 373 retained).
Molecular consequence: synonymous variant.
Genome position (GRCh38, 1-based): chr11:61,322,299, C>T on the plus strand (G>A on the coding strand, the complement: DDB1 is on the minus strand). VCF-style: chr11-61322299-C-T. GRCh37 (hg19) VCF-style: chr11-61089771-C-T.
Identifiers: ClinVar variation 782214 (VCV000782214.28), dbSNP rs28720291, ClinGen allele CA6033192.

ClinVar aggregate classification (germline): Benign. Review status: criteria provided, multiple submitters, no conflicts (2 of 4 stars). 3 submissions from 3 submitters: Benign (3). Last evaluated 2026-09-01.

Allele frequency attached by ClinVar (database versions not stated): 1000 Genomes Project 0.00100; 1000 Genomes Project 30x 0.00156; gnomAD exomes 0.00590 and 0.00852; gnomAD 0.00611 and 0.00643; ExAC 0.00627; TOPMed 0.00681; ESP Exome Variant Server 0.00754.
gnomAD v4.1: 13,363 of 1,613,476 alleles (0.83%); highest among the groups gnomAD compares: Non-Finnish European, 1%; 89 homozygotes.

Submissions (3):

CeGaT Center for Human Genetics Tuebingen
Classification: Benign. Last evaluated: 2026-09-01. Review status: criteria provided, single submitter. Criteria: CeGaT Center For Human Genetics Tuebingen Variant Classification Criteria Version 2. Collection method: clinical testing. Allele origin: germline. Affected: yes. Observed: 11 variant alleles.
Comment: DDB1: BP4, BP7, BS1, BS2

Labcorp Genetics (formerly Invitae), Labcorp
Classification: Benign. Last evaluated: 2017-10-23. Review status: criteria provided, single submitter. Criteria: Invitae Variant Classification Sherloc (09022015). Collection method: clinical testing. Allele origin: germline.

Breakthrough Genomics
Classification: Benign. Review status: criteria provided, single submitter. Criteria: ACMG Guidelines, 2015. Collection method: not provided. Allele origin: germline. Inheritance: Autosomal dominant inheritance. Affected: yes.